The following is an entry in ClinVar:

ClinVar aggregate classification (germline): Uncertain significance (1 of 4 stars; one submission).

gnomAD v4.1: 36 of 1,536,620 alleles (0.0023%); highest among the groups gnomAD compares: African/African-American, 0.0069%; no homozygotes.

Submission:

Labcorp Genetics (formerly Invitae), Labcorp
Classification: Uncertain significance. Last evaluated: 2025-04-17. Review status: criteria provided, single submitter. Criteria: Invitae Variant Classification Sherloc (09022015). Collection method: clinical testing. Allele origin: germline.
Comment: This sequence change affects codon 245 of the MAGEL2 mRNA. It is a 'silent' change, meaning that it does not change the encoded amino acid sequence of the MAGEL2 protein. This variant is present in population databases (no rsID available, gnomAD 0.006%). This variant has not been reported in the literature in individuals affected with MAGEL2-related conditions. ClinVar contains an entry for this variant (Variation ID: 3674905). Experimental studies and prediction algorithms are not available or were not evaluated, and the effect of this variant on mRNA splicing is currently unknown. In summary, the available evidence is currently insufficient to determine the role of this variant in disease. Therefore, it has been classified as a Variant of Uncertain Significance.

NM_019066.5(MAGEL2):c.735G>A (p.Pro245=)

Gene: MAGEL2 (MAGE family member L2; minus strand). Cytogenetic location: 15q11.2.
Variant type: single nucleotide variant.
Coding change: c.735G>A on transcript NM_019066.5 (MANE Select); coding-DNA position 735, G replaced by A.
Protein change: p.Pro245=; no amino-acid change (proline 245 retained).
Molecular consequence: synonymous variant.
Genome position (GRCh38, 1-based): chr15:23,647,008, C>T on the plus strand (G>A on the coding strand, the complement: MAGEL2 is on the minus strand). VCF-style: chr15-23647008-C-T. GRCh37 (hg19) VCF-style: chr15-23892155-C-T.
Identifiers: ClinVar variation 3674905 (VCV003674905.2).